The following is an entry in ClinVar:

NM_005343.4(HRAS):c.178G>C (p.Gly60Arg)

Genes: HRAS (HRas proto-oncogene, GTPase; minus strand), LRRC56 (leucine rich repeat containing 56; plus strand). Cytogenetic location: 11p15.5.
Variant type: single nucleotide variant.
Coding change: c.178G>C on transcript NM_005343.4 (MANE Select); coding-DNA position 178, G replaced by C.
Protein change: p.Gly60Arg; replaces glycine 60 with arginine.
Molecular consequence: missense variant. On other transcripts: 5 prime UTR variant (1).
Genome position (GRCh38, 1-based): chr11:533,878, C>G on the plus strand (G>C on the coding strand, the complement: HRAS is on the minus strand). VCF-style: chr11-533878-C-G. GRCh37 (hg19) VCF-style: chr11-533878-C-G.
Other names: c.178G>C, p.Gly60Arg (NM_001130442.3, NM_176795.5); c.-142G>C (NM_001318054.2); short protein forms G60R.
Identifiers: ClinVar variation 2164941 (VCV002164941.4), dbSNP rs1589792804, ClinGen allele CA378924680.

ClinVar aggregate classification (germline): Uncertain significance (1 of 4 stars; one submission).

Conditions:
Costello syndrome (CSTLO). Also called: FCS SYNDROME; FACIOCUTANEOSKELETAL SYNDROME; HRAS-Related Costello Syndrome. Identifiers: Orphanet 3071, MedGen C0587248, MONDO:0009026, OMIM 218040.

gnomAD v4.1: 1 of 1,613,278 alleles (0.000062%); highest among the groups gnomAD compares: Non-Finnish European, 0.000085%; no homozygotes.

Submission:

Labcorp Genetics (formerly Invitae), Labcorp
Classification: Uncertain significance for Costello syndrome. Last evaluated: 2021-12-20. Review status: criteria provided, single submitter. Criteria: Invitae Variant Classification Sherloc (09022015). Collection method: clinical testing. Allele origin: germline.
Comment: This variant disrupts the p.Gly60 amino acid residue in HRAS. Other variant(s) that disrupt this residue have been determined to be pathogenic (Invitae). This suggests that this residue is clinically significant, and that variants that disrupt this residue are likely to be disease-causing. Advanced modeling of protein sequence and biophysical properties (such as structural, functional, and spatial information, amino acid conservation, physicochemical variation, residue mobility, and thermodynamic stability) performed at Invitae indicates that this missense variant is expected to disrupt HRAS protein function. This variant has not been reported in the literature in individuals affected with HRAS-related conditions. This variant is not present in population databases (gnomAD no frequency). This sequence change replaces glycine, which is neutral and non-polar, with arginine, which is basic and polar, at codon 60 of the HRAS protein (p.Gly60Arg). In summary, the available evidence is currently insufficient to determine the role of this variant in disease. Therefore, it has been classified as a Variant of Uncertain Significance.